The following is an entry in ClinVar:

NM_001376571.1(MADD):c.691CTG[1] (p.Leu232del)

Gene: MADD (MAP kinase activating death domain; plus strand). Cytogenetic location: 11p11.2.
Variant type: Microsatellite.
Coding change: c.691CTG[1] on transcript NM_001376571.1 (MANE Select); one copy of the 3-base unit CTG starting at c.691; the reference has two copies in a row; one copy, 3 bases deleted.
Protein change: p.Leu232del; deletes leucine 232.
Molecular consequence: inframe deletion. On other transcripts: non-coding transcript variant (8).
Genome position (GRCh38, 1-based): chr11:47,275,933-47,275,935, CTG deleted; deleting any 3 consecutive bases within chr11:47,275,929-47,275,935 gives the same sequence; the position shown is the placement nearest the transcript's 3' end. VCF-style (leftmost placement, unchanged base first): chr11-47275928-CGCT-C. GRCh37 (hg19) VCF-style: chr11-47297479-CGCT-C.
Other names: c.691CTG[1], p.Leu232del (NM_001135943.2, NM_001135944.2, NM_001376572.1 and 80 more transcripts); c.487CTG[1], p.Leu164del (NM_001376620.1, NM_001376626.1, NM_001376627.1 and 9 more transcripts); c.25CTG[1], p.Leu10del (NM_001376663.1); short protein forms L10del, L164del, L232del.
Identifiers: ClinVar variation 4690022 (VCV004690022.1).

ClinVar aggregate classification (germline): Uncertain significance (1 of 4 stars; one submission).

Submission:

GeneDx
Classification: Uncertain significance. Last evaluated: 2025-07-31. Review status: criteria provided, single submitter. Criteria: GeneDx Variant Classification Process June 2021. Collection method: clinical testing. Allele origin: germline. Affected: yes.
Comment: In-frame deletion of 1 amino acid(s) in a non-repeat region; Not observed at significant frequency in large population cohorts (gnomAD); In silico analysis supports a deleterious effect on protein structure/function; Has not been previously published as pathogenic or benign to our knowledge